The following is an entry in ClinVar:

ClinVar aggregate classification (germline): Uncertain significance (1 of 4 stars; one submission).

Submission:

Labcorp Genetics (formerly Invitae), Labcorp
Classification: Uncertain significance. Last evaluated: 2022-03-30. Review status: criteria provided, single submitter. Criteria: Invitae Variant Classification Sherloc (09022015). Collection method: clinical testing. Allele origin: germline.
Comment: This sequence change replaces methionine, which is neutral and non-polar, with valine, which is neutral and non-polar, at codon 308 of the ANO6 protein (p.Met308Val). This variant is not present in population databases (gnomAD no frequency). This variant has not been reported in the literature in individuals affected with ANO6-related conditions. Advanced modeling of protein sequence and biophysical properties (such as structural, functional, and spatial information, amino acid conservation, physicochemical variation, residue mobility, and thermodynamic stability) performed at Invitae indicates that this missense variant is not expected to disrupt ANO6 protein function. In summary, the available evidence is currently insufficient to determine the role of this variant in disease. Therefore, it has been classified as a Variant of Uncertain Significance.

NM_001025356.3(ANO6):c.922A>G (p.Met308Val)

Gene: ANO6 (anoctamin 6; plus strand). Cytogenetic location: 12q12.
Variant type: single nucleotide variant.
Coding change: c.922A>G on transcript NM_001025356.3 (MANE Select); coding-DNA position 922, A replaced by G.
Protein change: p.Met308Val; replaces methionine 308 with valine.
Molecular consequence: missense variant.
Genome position (GRCh38, 1-based): chr12:45,357,348, A>G. VCF-style: chr12-45357348-A-G. GRCh37 (hg19) VCF-style: chr12-45751131-A-G.
Other names: c.868A>G, p.Met290Val (NM_001142678.2); c.922A>G, p.Met308Val (NM_001142679.2); c.985A>G, p.Met329Val (NM_001204803.2); c.889A>G, p.Met297Val (NM_001410973.1); short protein forms M329V, M290V, M308V, M297V.
Identifiers: ClinVar variation 2117162 (VCV002117162.4), dbSNP rs2547468199, ClinGen allele CA384476187.
Genomic context (GRCh38, chr12:45,357,348, plus strand): 5'-AGGAAATACTATGGAGAGAAGATTGGAATCTACTTTGCTTGGCTGGGCTATTACACTCAG[A>G]TGCTTCTCCTGGCCGCAGTTGTAGGAGTGGCTTGCTTTCTCTATGGATATCTTAATCAAG-3'
Protein context (NP_001020527.2, residues 298-318): YFAWLGYYTQ[Met308Val]LLLAAVVGVA